The following is an entry in ClinVar:

ClinVar aggregate classification (germline): Conflicting classifications of pathogenicity. Review status: criteria provided, conflicting classifications (1 of 4 stars). 2 submissions from 2 submitters: Likely pathogenic (1); Uncertain significance (1). Last evaluated 2024-10-08.

Conditions:
Hypertrophic cardiomyopathy 17. Identifiers: MedGen C3151264, MONDO:0013474, OMIM 613873.

Allele frequency attached by ClinVar (database versions not stated): gnomAD exomes below 0.00001.
gnomAD v4.1: 1 of 1,537,612 alleles (0.000065%); highest among the groups gnomAD compares: Non-Finnish European, 0.000087%; no homozygotes.

Submissions (2):

3billion
Classification: Likely pathogenic for Hypertrophic cardiomyopathy 17. Last evaluated: 2024-10-08. Review status: criteria provided, single submitter. Criteria: ACMG Guidelines, 2015. Collection method: clinical testing. Allele origin: germline. Affected: yes.
Comment: The variant is observed at an extremely low frequency in the gnomAD v4.1.0 dataset (total allele frequency: <0.001%). Predicted Consequence/Location: Missense variant Functional studies provide strong evidence of the variant having a damaging effect on the gene or gene product (PMID: 23973696). The same nucleotide change resulting in the same amino acid change has been previously reported to be associated with JPH2-related disorder (PMID: 23973696). Therefore, this variant is classified as Likely pathogenic according to the recommendation of ACMG/AMP guideline.

Victorian Clinical Genetics Services, Murdoch Childrens Research Institute
Classification: Uncertain significance for Hypertrophic cardiomyopathy 17. Last evaluated: 2022-02-02. Review status: criteria provided, single submitter. Criteria: ACMG Guidelines, 2015. Collection method: clinical testing. Allele origin: germline. Inheritance: Autosomal dominant inheritance. Affected: yes.
Comment: Based on the classification scheme VCGS_Germline_v1.3.4, this variant is classified as VUS-3B. Following criteria are met: 0102 - Loss of function is a known mechanism of disease in this gene and is associated with hypertrophic cardiomyopathy 17 (MIM# 613873). (I) 0107 - This gene is associated with autosomal dominant disease. (I) 0200 - Variant is predicted to result in a missense amino acid change from glutamic acid to lysine. (I) 0251 - This variant is heterozygous. (I) 0301 - Variant is absent from gnomAD (both v2 and v3). (SP) 0502 - Missense variant with conflicting in silico predictions and uninformative conservation. (I) 0604 - Variant is not located in an established domain, motif, hotspot or informative constraint region. (I) 0705 - No comparable missense variants have previous evidence for pathogenicity. (I) 0803 - This variant has limited previous evidence of pathogenicity. This variant has been reported in two HCM-affected individuals from one family, the proband of whom presented with juvenile-onset paroxysmal atrial fibrillation (PMID: 23973696). (SP) 0905 - No published segregation evidence has been identified for this variant. (I) 1002 - This variant has moderate functional evidence supporting abnormal protein function. Functional study using knock-in mouse model demonstrated this variant lead to reduced JPH2-mediated stabilisation of RyR2 (PMID: 23973696). (SP) 1208 - Inheritance information for this variant is not currently available in this individual. (I) Legend: (SP) - Supporting pathogenic, (I) - Information, (SB) - Supporting benign

Literature cited by the submitters: PubMed 23973696 (cited by 3billion and Victorian Clinical Genetics Services, Murdoch Childrens Research Institute).

NM_020433.5(JPH2):c.505G>A (p.Glu169Lys)

Gene: JPH2 (junctophilin 2; minus strand). Cytogenetic location: 20q13.12.
Variant type: single nucleotide variant.
Coding change: c.505G>A on transcript NM_020433.5 (MANE Select); coding-DNA position 505, G replaced by A.
Protein change: p.Glu169Lys; replaces glutamic acid 169 with lysine.
Molecular consequence: missense variant.
Genome position (GRCh38, 1-based): chr20:44,160,282, C>T on the plus strand (G>A on the coding strand, the complement: JPH2 is on the minus strand). VCF-style: chr20-44160282-C-T. GRCh37 (hg19) VCF-style: chr20-42788922-C-T.
Other names: short protein forms E169K.
Identifiers: ClinVar variation 1324604 (VCV001324604.3), dbSNP rs2072600840, ClinGen allele CA409094256.